The following is an entry in ClinVar:

ClinVar aggregate classification (germline): Pathogenic (1 of 4 stars; one submission).

Allele frequency attached by ClinVar (database versions not stated): gnomAD exomes below 0.00001.

Submission:

Labcorp Genetics (formerly Invitae), Labcorp
Classification: Pathogenic. Last evaluated: 2023-01-27. Review status: criteria provided, single submitter. Criteria: Invitae Variant Classification Sherloc (09022015). Collection method: clinical testing. Allele origin: germline.
Comment: For these reasons, this variant has been classified as Pathogenic. This variant has not been reported in the literature in individuals affected with OTOG-related conditions. This variant is present in population databases (no rsID available, gnomAD 0.004%). This sequence change creates a premature translational stop signal (p.Thr1950Tyrfs*11) in the OTOG gene. It is expected to result in an absent or disrupted protein product. Loss-of-function variants in OTOG are known to be pathogenic (PMID: 23122587).

Literature cited by the submitters: PubMed 23122587.

NM_001292063.2(OTOG):c.5811dup (p.Thr1938fs)

Gene: OTOG (otogelin; plus strand). Cytogenetic location: 11p15.1.
Variant type: Duplication.
Coding change: c.5811dup on transcript NM_001292063.2 (MANE Select); coding-DNA position 5811, one base duplicated (T; older notation c.5811dupT).
Protein change: p.Thr1938fs; shifts the reading frame from threonine 1938.
Molecular consequence: frameshift variant.
Genome position (GRCh38, 1-based): chr11:17,611,111, T duplicated. VCF-style (leftmost placement, unchanged base first): chr11-17611110-C-CT. GRCh37 (hg19) VCF-style: chr11-17632657-C-CT.
Other names: c.5847dup, p.Thr1950fs (NM_001277269.2); short protein forms T1950fs, T1938fs.
Identifiers: ClinVar variation 2781461 (VCV002781461.3), dbSNP rs1462993867, ClinGen allele CA597904895.